The following is an entry in ClinVar:

NM_206926.2(SELENON):c.*1831A>G

Gene: SELENON (selenoprotein N; plus strand). Cytogenetic location: 1p36.11.
Variant type: single nucleotide variant.
Coding change: c.*1831A>G on transcript NM_206926.2 (MANE Select); 1831 bases downstream of the stop codon, A replaced by G.
Molecular consequence: 3 prime UTR variant.
Genome position (GRCh38, 1-based): chr1:25,817,549, A>G. VCF-style: chr1-25817549-A-G. GRCh37 (hg19) VCF-style: chr1-26144040-A-G.
Other names: c.*1831A>G (NM_020451.3).
Identifiers: ClinVar variation 875461 (VCV000875461.4), dbSNP rs186501242, ClinGen allele CA19699421.

ClinVar aggregate classification (germline): Likely benign (1 of 4 stars; one submission).

Conditions:
SEPN1-related disorder. Also called: SEPN1-Related Disorders. Identifiers: MedGen CN239420.

Allele frequency attached by ClinVar (database versions not stated): TOPMed 0.00010; 1000 Genomes Project 0.00060; gnomAD 0.00004 and 0.00006; 1000 Genomes Project 30x 0.00047.

Submission:

Illumina Laboratory Services, Illumina
Classification: Likely benign for SEPN1-Related Disorders. Last evaluated: 2018-01-13. Review status: criteria provided, single submitter. Criteria: ICSL Variant Classification Criteria 13 December 2019. Collection method: clinical testing. Allele origin: germline.
Comment: This variant was observed in the ICSL laboratory as part of a predisposition screen in an ostensibly healthy population. It had not been previously curated by ICSL or reported in the Human Gene Mutation Database (HGMD: prior to June 1st, 2018), and was therefore a candidate for classification through an automated scoring system. Utilizing variant allele frequency, disease prevalence and penetrance estimates, and inheritance mode, an automated score was calculated to assess if this variant is too frequent to cause the disease. Based on the score and internal cut-off values, a variant classified as likely benign is not then subjected to further curation. The score for this variant resulted in a classification of likely benign for this disease.